The following is an entry in ClinVar:

NM_000075.4(CDK4):c.711C>G (p.Asp237Glu)

Genes: CDK4 (cyclin dependent kinase 4; minus strand), TSPAN31 (tetraspanin 31; plus strand). Cytogenetic location: 12q14.1.
Variant type: single nucleotide variant.
Coding change: c.711C>G on transcript NM_000075.4 (MANE Select); coding-DNA position 711, C replaced by G.
Protein change: p.Asp237Glu; replaces aspartic acid 237 with glutamic acid.
Molecular consequence: missense variant. On other transcripts: 3 prime UTR variant (3).
Genome position (GRCh38, 1-based): chr12:57,749,290, G>C on the plus strand (C>G on the coding strand, the complement: CDK4 is on the minus strand). VCF-style: chr12-57749290-G-C. GRCh37 (hg19) VCF-style: chr12-58143073-G-C.
Other names: c.*2000G>C (NM_001330168.2, NM_001330169.2, NM_005981.5); short protein forms D237E.
Identifiers: ClinVar variation 1384416 (VCV001384416.6), dbSNP rs2140383063, ClinGen allele CA385543566.

ClinVar aggregate classification (germline): Uncertain significance (1 of 4 stars; one submission).

Conditions:
Familial melanoma. Also called: Hereditary melanoma; Hereditary cutaneous melanoma. Identifiers: Orphanet 618, MedGen C1512419, MONDO:0018961.

Submission:

Labcorp Genetics (formerly Invitae), Labcorp
Classification: Uncertain significance for Familial melanoma. Last evaluated: 2021-10-04. Review status: criteria provided, single submitter. Criteria: Invitae Variant Classification Sherloc (09022015). Collection method: clinical testing. Allele origin: germline.
Comment: This sequence change replaces aspartic acid with glutamic acid at codon 237 of the CDK4 protein (p.Asp237Glu). The aspartic acid residue is moderately conserved and there is a small physicochemical difference between aspartic acid and glutamic acid. This variant is not present in population databases (ExAC no frequency). This variant has not been reported in the literature in individuals affected with CDK4-related conditions. Advanced modeling of protein sequence and biophysical properties (such as structural, functional, and spatial information, amino acid conservation, physicochemical variation, residue mobility, and thermodynamic stability) performed at Invitae indicates that this missense variant is not expected to disrupt CDK4 protein function. In summary, the available evidence is currently insufficient to determine the role of this variant in disease. Therefore, it has been classified as a Variant of Uncertain Significance.